The following is an entry in ClinVar:

ClinVar aggregate classification (germline): Uncertain significance. Review status: criteria provided, multiple submitters, no conflicts (2 of 4 stars). 2 submissions from 2 submitters: Uncertain significance (2). Last evaluated 2024-07-02.

Conditions:
Landau-Kleffner syndrome (FESD). Also called: EPILEPSY, FOCAL, WITH SPEECH DISORDER AND WITH OR WITHOUT MENTAL RETARDATION; APHASIA, ACQUIRED, WITH EPILEPSY. Identifiers: Orphanet 1945, Orphanet 725, Orphanet 98818, MedGen C0282512, MONDO:0009509, OMIM 245570.
Inborn genetic diseases. Identifiers: MedGen C0950123, MeSH D030342.

gnomAD v4.1: 5 of 1,613,594 alleles (0.00031%); highest among the groups gnomAD compares: Non-Finnish European, 0.00042%; no homozygotes.

Submissions (2):

Ambry Genetics
Classification: Uncertain significance for Inborn genetic diseases. Last evaluated: 2024-07-02. Review status: criteria provided, single submitter. Criteria: Ambry Variant Classification Scheme 2023. Collection method: clinical testing. Allele origin: germline.

Labcorp Genetics (formerly Invitae), Labcorp
Classification: Uncertain significance for Landau-Kleffner syndrome. Last evaluated: 2024-06-04. Review status: criteria provided, single submitter. Criteria: Invitae Variant Classification Sherloc (09022015). Collection method: clinical testing. Allele origin: germline.
Comment: This sequence change replaces proline, which is neutral and non-polar, with serine, which is neutral and polar, at codon 1142 of the GRIN2A protein (p.Pro1142Ser). This variant is not present in population databases (gnomAD no frequency). This variant has not been reported in the literature in individuals affected with GRIN2A-related conditions. Advanced modeling of protein sequence and biophysical properties (such as structural, functional, and spatial information, amino acid conservation, physicochemical variation, residue mobility, and thermodynamic stability) performed at Invitae indicates that this missense variant is not expected to disrupt GRIN2A protein function with a negative predictive value of 95%. In summary, the available evidence is currently insufficient to determine the role of this variant in disease. Therefore, it has been classified as a Variant of Uncertain Significance.

NM_001134407.3(GRIN2A):c.3424C>T (p.Pro1142Ser)

Gene: GRIN2A (glutamate ionotropic receptor NMDA type subunit 2A; minus strand). Cytogenetic location: 16p13.2.
Variant type: single nucleotide variant.
Coding change: c.3424C>T on transcript NM_001134407.3 (MANE Select); coding-DNA position 3424, C replaced by T.
Protein change: p.Pro1142Ser; replaces proline 1142 with serine.
Molecular consequence: missense variant.
Genome position (GRCh38, 1-based): chr16:9,764,120, G>A on the plus strand (C>T on the coding strand, the complement: GRIN2A is on the minus strand). VCF-style: chr16-9764120-G-A. GRCh37 (hg19) VCF-style: chr16-9857977-G-A.
Other names: c.3424C>T, p.Pro1142Ser (NM_000833.5, NM_001134408.2); short protein forms P1142S.
Identifiers: ClinVar variation 3522683 (VCV003522683.3).